The following is an entry in ClinVar:

ClinVar aggregate classification (germline): Uncertain significance (1 of 4 stars; one submission).

Conditions:
Multiple endocrine neoplasia, type 2 (MEN2). Identifiers: Orphanet 653, MedGen C4048306, MONDO:0019003. Disease mechanism: gain of function.

Submission:

Labcorp Genetics (formerly Invitae), Labcorp
Classification: Uncertain significance for Multiple endocrine neoplasia, type 2. Last evaluated: 2020-02-17. Review status: criteria provided, single submitter. Criteria: Invitae Variant Classification Sherloc (09022015). Collection method: clinical testing. Allele origin: germline.
Comment: This sequence change replaces alanine with threonine at codon 1051 of the RET protein (p.Ala1051Thr). The alanine residue is weakly conserved and there is a small physicochemical difference between alanine and threonine. This variant is not present in population databases (ExAC no frequency). This variant has not been reported in the literature in individuals with RET-related conditions. Algorithms developed to predict the effect of missense changes on protein structure and function output the following: SIFT: "Tolerated"; PolyPhen-2: "Benign"; Align-GVGD: "Class C0". The threonine amino acid residue is found in multiple mammalian species, suggesting that this missense change does not adversely affect protein function. These predictions have not been confirmed by published functional studies and their clinical significance is uncertain. In summary, the available evidence is currently insufficient to determine the role of this variant in disease. Therefore, it has been classified as a Variant of Uncertain Significance.

NM_020975.6(RET):c.3151G>A (p.Ala1051Thr)

Gene: RET (ret proto-oncogene; plus strand). Cytogenetic location: 10q11.21.
Variant type: single nucleotide variant.
Coding change: c.3151G>A on transcript NM_020975.6 (MANE Select); coding-DNA position 3151, G replaced by A.
Protein change: p.Ala1051Thr; replaces alanine 1051 with threonine.
Molecular consequence: missense variant.
Genome position (GRCh38, 1-based): chr10:43,126,686, G>A. VCF-style: chr10-43126686-G-A. GRCh37 (hg19) VCF-style: chr10-43622134-G-A.
Other names: c.3151G>A, p.Ala1051Thr (NM_000323.2, NM_001406743.1, NM_001406744.1 and 2 more transcripts); c.2389G>A, p.Ala797Thr (NM_001355216.2); c.3022G>A, p.Ala1008Thr (NM_001406761.1, NM_001406762.1, NM_001406764.1); c.3016G>A, p.Ala1006Thr (NM_001406763.1, NM_001406765.1); c.2863G>A, p.Ala955Thr (NM_001406766.1, NM_001406767.1, NM_001406770.1); c.2887G>A, p.Ala963Thr (NM_001406768.1); c.2755G>A, p.Ala919Thr (NM_001406769.1, NM_001406772.1); c.2713G>A, p.Ala905Thr (NM_001406771.1, NM_001406773.1); and 10 more; short protein forms A1051T, A797T, A1008T, A752T, A905T, A919T, A568T, A616T.
Identifiers: ClinVar variation 1052683 (VCV001052683.11), dbSNP rs2133036726, ClinGen allele CA376558492.